The following is an entry in ClinVar:

ClinVar aggregate classification (germline): Likely benign (1 of 4 stars; one submission).

Allele frequency attached by ClinVar (database versions not stated): TOPMed 0.00002.

Submission:

GeneDx
Classification: Likely benign. Last evaluated: 2016-03-07. Review status: criteria provided, single submitter. Criteria: GeneDx Variant Classification (06012015). Collection method: clinical testing. Allele origin: germline. Affected: yes.
Comment: This variant is considered likely benign or benign based on one or more of the following criteria: it is a conservative change, it occurs at a poorly conserved position in the protein, it is predicted to be benign by multiple in silico algorithms, and/or has population frequency not consistent with disease.

NM_007194.4(CHEK2):c.-7+8A>G

Genes: CHEK2 (checkpoint kinase 2; minus strand), LOC130067165 (ATAC-STARR-seq lymphoblastoid active region 18804; plus strand). Cytogenetic location: 22q12.1.
Variant type: single nucleotide variant.
Coding change: c.-7+8A>G on transcript NM_007194.4 (MANE Select); 8 bases into the intron after 7 bases upstream of the start codon, A replaced by G.
Molecular consequence: intron variant.
Genome position (GRCh38, 1-based): chr22:28,741,761, T>C on the plus strand (A>G on the coding strand, the complement: CHEK2 is on the minus strand). VCF-style: chr22-28741761-T-C. GRCh37 (hg19) VCF-style: chr22-29137749-T-C.
Other names: c.-345+8A>G (NM_001437942.1); c.-7+8A>G (NM_001349956.3, NM_145862.3, NM_001438295.1 and 3 more transcripts); c.-784+8A>G (NM_001257387.3).
Identifiers: ClinVar variation 379731 (VCV000379731.1), dbSNP rs1006865074, ClinGen allele CA16608156.